The following is an entry in ClinVar:

ClinVar aggregate classification (germline): Conflicting classifications of pathogenicity. Review status: criteria provided, conflicting classifications (1 of 4 stars). 4 submissions from 4 submitters: Pathogenic (1); Uncertain significance (3). Last evaluated 2026-09-25.

Conditions:
Achromatopsia 2 (ACHM2). Also called: ROD MONOCHROMACY 2; ROD MONOCHROMATISM 2; COLORBLINDNESS, TOTAL. Identifiers: Orphanet 49382, MedGen C1857618, MONDO:0009003, OMIM 216900.

Allele frequency attached by ClinVar (database versions not stated): gnomAD exomes 0.00003 and 0.00001; gnomAD 0.00011; TOPMed 0.00013; ExAC 0.00001.
gnomAD v4.1: 24 of 1,614,054 alleles (0.0015%); highest among the groups gnomAD compares: Admixed American, 0.037%; no homozygotes.

Submissions (4):

GeneDx
Classification: Uncertain significance. Last evaluated: 2026-09-25. Review status: criteria provided, single submitter. Criteria: GeneDx Variant Classification Process June 2021. Collection method: clinical testing. Allele origin: germline.
Comment: In silico analysis supports that this missense variant has a deleterious effect on protein structure/function; Has not been previously published as pathogenic or benign in association with CNGA3-related retinal dystrophy to our knowledge; This variant is associated with the following publications: (PMID: 35332618)

Labcorp Genetics (formerly Invitae), Labcorp
Classification: Pathogenic. Last evaluated: 2025-12-24. Review status: criteria provided, single submitter. Criteria: Invitae Variant Classification Sherloc (09022015). Collection method: clinical testing. Allele origin: germline.
Comment: This sequence change replaces histidine, which is basic and polar, with arginine, which is basic and polar, at codon 345 of the CNGA3 protein (p.His345Arg). This variant is present in population databases (rs780411290, gnomAD 0.02%). This missense change has been observed in individual(s) with clinical features of CNGA3-related conditions (internal data). In at least one individual the data is consistent with being in trans (on the opposite chromosome) from a pathogenic variant. ClinVar contains an entry for this variant (Variation ID: 291008). Invitae Evidence Modeling of protein sequence and biophysical properties (such as structural, functional, and spatial information, amino acid conservation, physicochemical variation, residue mobility, and thermodynamic stability) indicates that this missense variant is not expected to disrupt CNGA3 protein function with a negative predictive value of 95%. For these reasons, this variant has been classified as Pathogenic.

Fulgent Genetics
Classification: Uncertain significance for Achromatopsia 2. Last evaluated: 2018-10-31. Review status: criteria provided, single submitter. Criteria: ACMG Guidelines, 2015. Collection method: clinical testing. Allele origin: unknown.

Eurofins Ntd Llc (ga)
Classification: Uncertain significance. Last evaluated: 2016-12-27. Review status: criteria provided, single submitter. Criteria: EGL Classification Definitions 2015. Collection method: clinical testing. Allele origin: germline. Observed: 2 variant alleles, 2 heterozygotes.

NM_001298.3(CNGA3):c.1034A>G (p.His345Arg)

Gene: CNGA3 (cyclic nucleotide gated channel subunit alpha 3; plus strand). Cytogenetic location: 2q11.2.
Variant type: single nucleotide variant.
Coding change: c.1034A>G on transcript NM_001298.3 (MANE Select); coding-DNA position 1034, A replaced by G.
Protein change: p.His345Arg; replaces histidine 345 with arginine.
Molecular consequence: missense variant.
Genome position (GRCh38, 1-based): chr2:98,396,204, A>G. VCF-style: chr2-98396204-A-G. GRCh37 (hg19) VCF-style: chr2-99012667-A-G.
Other names: c.980A>G, p.His327Arg (NM_001079878.2); short protein forms H345R, H327R.
Identifiers: ClinVar variation 291008 (VCV000291008.17), dbSNP rs780411290, ClinGen allele CA1793936.
Genomic context (GRCh38, chr2:98,396,204, plus strand): 5'-CCAAGTTCATTGGTTTTGGGACAGACTCCTGGGTCTACCCAAACATCTCAATCCCAGAGC[A>G]TGGGCGCCTCTCCAGGAAGTACATTTACAGTCTCTACTGGTCCACCTTGACCCTTACCAC-3'
Protein context (NP_001289.1, residues 335-355): WVYPNISIPE[His345Arg]GRLSRKYIYS